The following is an entry in ClinVar:

NM_052845.4(MMAB):c.346A>G (p.Lys116Glu)

Gene: MMAB (metabolism of cobalamin associated B; minus strand). Cytogenetic location: 12q24.11.
Variant type: single nucleotide variant.
Coding change: c.346A>G on transcript NM_052845.4 (MANE Select); coding-DNA position 346, A replaced by G.
Protein change: p.Lys116Glu; replaces lysine 116 with glutamic acid.
Molecular consequence: missense variant. On other transcripts: non-coding transcript variant (1).
Genome position (GRCh38, 1-based): chr12:109,565,121, T>C on the plus strand (A>G on the coding strand, the complement: MMAB is on the minus strand). VCF-style: chr12-109565121-T-C. GRCh37 (hg19) VCF-style: chr12-110002926-T-C.
Other names: short protein forms K116E.
Identifiers: ClinVar variation 423265 (VCV000423265.4), dbSNP rs551289581, ClinGen allele CA6778956.

ClinVar aggregate classification (germline): Uncertain significance. Review status: criteria provided, multiple submitters, no conflicts (2 of 4 stars). 3 submissions from 3 submitters: Uncertain significance (2). 1 of the submissions does not count toward it. Last evaluated 2024-04-09.

Conditions:
Methylmalonic aciduria, cblB type (MACB). Also called: Vitamin B12-responsive methylmalonic acidemia type cblB; METHYLMALONIC ACIDURIA, VITAMIN B12-RESPONSIVE, DUE TO DEFECT IN SYNTHESIS OF ADENOSYLCOBALAMIN, cblB TYPE; Methylmalonic acidemia cblB type. Identifiers: Orphanet 28, Orphanet 79311, MedGen C1855102, MONDO:0009614, OMIM 251110.

Allele frequency attached by ClinVar (database versions not stated): TOPMed 0.00006; 1000 Genomes Project 30x 0.00031; gnomAD exomes below 0.00001 and 0.00001; ExAC 0.00001; gnomAD 0.00005; 1000 Genomes Project 0.00040.
gnomAD v4.1: 14 of 1,613,704 alleles (0.00087%); highest among the groups gnomAD compares: African/African-American, 0.016%; no homozygotes.

Submissions (3):

Fulgent Genetics
Classification: Uncertain significance for Methylmalonic aciduria, cblB type. Last evaluated: 2024-04-09. Review status: criteria provided, single submitter. Criteria: ACMG Guidelines, 2015. Collection method: clinical testing. Allele origin: germline.

GeneDx
Classification: Uncertain significance. Last evaluated: 2017-02-03. Review status: criteria provided, single submitter. Criteria: GeneDx Variant Classification (06012015). Collection method: clinical testing. Allele origin: germline. Affected: yes.
Comment: The K116E variant has not been published as a pathogenic variant, nor has it been reported as a benign variant to our knowledge. The K116E variant is not observed at a significant frequency in large population cohorts (Lek et al., 2016; 1000 Genomes Consortium et al., 2015; Exome Variant Server). The K116E variant is a non-conservative amino acid substitution, which is likely to impact secondary protein structure as these residues differ in polarity, charge, size and/or other properties. This substitution occurs at a position that is not conserved. In silico analysis is inconsistent in its predictions as to whether or not the variant is damaging to the protein structure/function. In summary, based on the currently available information, it is unclear whether this variant is a pathogenic variant or a rare benign variant.

Natera, Inc.
Classification: Uncertain significance for Methylmalonic aciduria cblB type. Last evaluated: 2021-05-04. Review status: no assertion criteria provided. Collection method: clinical testing. Allele origin: germline. Not counted in ClinVar's aggregate classification.